The following is an entry in ClinVar:

ClinVar aggregate classification (germline): Uncertain significance (1 of 4 stars; one submission).

Conditions:
MHC class II deficiency. Also called: Bare lymphocyte syndrome 2; BLS, TYPE II. Identifiers: Orphanet 572, MedGen C5447452, MONDO:0008855.

Allele frequency attached by ClinVar (database versions not stated): gnomAD exomes below 0.00001; ExAC 0.00001.

Submission:

Labcorp Genetics (formerly Invitae), Labcorp
Classification: Uncertain significance for MHC class II deficiency. Last evaluated: 2020-03-07. Review status: criteria provided, single submitter. Criteria: Invitae Variant Classification Sherloc (09022015). Collection method: clinical testing. Allele origin: germline.
Comment: This sequence change replaces proline with arginine at codon 146 of the CIITA protein (p.Pro146Arg). The proline residue is weakly conserved and there is a moderate physicochemical difference between proline and arginine. This variant is present in population databases (rs770295658, ExAC 0.002%). This variant has not been reported in the literature in individuals with CIITA-related conditions. Algorithms developed to predict the effect of missense changes on protein structure and function output the following: SIFT: "Tolerated"; PolyPhen-2: "Benign"; Align-GVGD: "Class C0". The arginine amino acid residue is found in multiple mammalian species, suggesting that this missense change does not adversely affect protein function. These predictions have not been confirmed by published functional studies and their clinical significance is uncertain. In summary, the available evidence is currently insufficient to determine the role of this variant in disease. Therefore, it has been classified as a Variant of Uncertain Significance.

NM_000246.4(CIITA):c.437C>G (p.Pro146Arg)

Gene: CIITA (class II major histocompatibility complex transactivator; plus strand). Cytogenetic location: 16p13.13.
Variant type: single nucleotide variant.
Coding change: c.437C>G on transcript NM_000246.4 (MANE Select); coding-DNA position 437, C replaced by G.
Protein change: p.Pro146Arg; replaces proline 146 with arginine.
Molecular consequence: missense variant. On other transcripts: non-coding transcript variant (1).
Genome position (GRCh38, 1-based): chr16:10,901,514, C>G. VCF-style: chr16-10901514-C-G. GRCh37 (hg19) VCF-style: chr16-10995371-C-G.
Other names: c.440C>G, p.Pro147Arg (NM_001286402.1, NM_001379330.1, NM_001379332.1); c.437C>G, p.Pro146Arg (NM_001286403.2, NM_001379331.1, NM_001379333.1); c.368C>G, p.Pro123Arg (NM_001379334.1); short protein forms P123R, P146R, P147R.
Identifiers: ClinVar variation 1002254 (VCV001002254.8), dbSNP rs770295658, ClinGen allele CA7899728.